The following is an entry in ClinVar:

NM_004304.5(ALK):c.248G>C (p.Gly83Ala)

Gene: ALK (ALK receptor tyrosine kinase; minus strand). Cytogenetic location: 2p23.1.
Variant type: single nucleotide variant.
Coding change: c.248G>C on transcript NM_004304.5 (MANE Select); coding-DNA position 248, G replaced by C.
Protein change: p.Gly83Ala; replaces glycine 83 with alanine.
Molecular consequence: missense variant.
Genome position (GRCh38, 1-based): chr2:29,920,412, C>G on the plus strand (G>C on the coding strand, the complement: ALK is on the minus strand). VCF-style: chr2-29920412-C-G. GRCh37 (hg19) VCF-style: chr2-30143278-C-G.
Other names: short protein forms G83A.
Identifiers: ClinVar variation 5035409 (VCV005035409.1).
Genomic context (GRCh38, chr2:29,920,412, plus strand): 5'-CCCAGCAACCTGAGCAGCGGGGCGCAGTCCAGAGCTAGCGAGCCGCGGGCCTCGGGCCTG[C>G]CAGCCTTCAGCTCCGAGGAGGATGGTGGCAGCAGTAGGTCCCGGGCGTAGACACGGAAGA-3'
Protein context (NP_004295.2, residues 73-93): LPPSSSELKA[Gly83Ala]RPEARGSLAL

ClinVar aggregate classification (germline): Uncertain significance (1 of 4 stars; one submission).

Conditions:
Hereditary cancer-predisposing syndrome. Also called: Hereditary Cancer Syndrome; Neoplastic Syndromes, Hereditary; Tumor predisposition; Hereditary neoplastic syndrome. Identifiers: Orphanet 140162, MedGen C0027672, MeSH D009386, MONDO:0015356.

Submission:

Ambry Genetics
Classification: Uncertain significance for Hereditary cancer-predisposing syndrome. Last evaluated: 2026-08-02. Review status: criteria provided, single submitter. Criteria: Ambry Variant Classification Scheme 2023. Collection method: clinical testing. Allele origin: germline.
Comment: The p.G83A variant (also known as c.248G>C), located in coding exon 1 of the ALK gene, results from a G to C substitution at nucleotide position 248. The glycine at codon 83 is replaced by alanine, an amino acid with similar properties. This amino acid position is conserved. In addition, this alteration is predicted to be tolerated by in silico analysis. Based on the available evidence, the clinical significance of this variant remains unclear.